The following is an entry in ClinVar:

NM_004415.4(DSP):c.2862C>T (p.Cys954=)

Gene: DSP (desmoplakin; plus strand). Cytogenetic location: 6p24.3.
Variant type: single nucleotide variant.
Coding change: c.2862C>T on transcript NM_004415.4 (MANE Select); coding-DNA position 2862, C replaced by T.
Protein change: p.Cys954=; no amino-acid change (cysteine 954 retained).
Molecular consequence: synonymous variant.
Genome position (GRCh38, 1-based): chr6:7,577,027, C>T. VCF-style: chr6-7577027-C-T. GRCh37 (hg19) VCF-style: chr6-7577260-C-T.
Other names: p.Cys954=; c.2862C>T, p.Cys954= (NM_001008844.3, NM_001319034.2).
Identifiers: ClinVar variation 44886 (VCV000044886.39), dbSNP rs2064217, ClinGen allele CA005657.

ClinVar aggregate classification (germline): Benign. Review status: criteria provided, multiple submitters, no conflicts (2 of 4 stars). 18 submissions from 16 submitters: Benign (12). 6 of the submissions do not count toward it. Last evaluated 2026-02-04.

Conditions:
Cardiovascular phenotype. Identifiers: MedGen CN230736.
Arrhythmogenic right ventricular dysplasia 8 (ARVD8). Also called: ARRHYTHMOGENIC RIGHT VENTRICULAR DYSPLASIA, FAMILIAL, 8; ARRHYTHMOGENIC RIGHT VENTRICULAR CARDIOMYOPATHY 8; Arrhythmogenic Right Ventricular Dysplasia/Cardiomyopathy 8. Identifiers: MedGen C1843896, MONDO:0011831, OMIM 607450.
Arrhythmogenic cardiomyopathy with wooly hair and keratoderma. Also called: Dilated cardiomyopathy with woolly hair and keratoderma; Arrhythmogenic cardiomyopathy with woolly hair and keratoderma; PALMOPLANTAR KERATODERMA WITH LEFT VENTRICULAR CARDIOMYOPATHY AND WOOLLY HAIR; Carvajal syndrome. Identifiers: Orphanet 65282, MedGen C1854063, MONDO:0011581, OMIM 605676.
Cardiomyopathy (CMYO). Also called: Cardiomyopathies. Identifiers: Orphanet 167848, MedGen C0878544, MONDO:0004994, HP:0001638. Inheritance: Various modes of inheritance.
Lethal acantholytic epidermolysis bullosa (EBLA). Identifiers: Orphanet 158687, MedGen C1864826, MONDO:0012323, OMIM 609638.
Woolly hair-skin fragility syndrome (WHSF). Identifiers: Orphanet 293165, MedGen C1843292, MONDO:0957307, OMIM 620415.

Allele frequency attached by ClinVar (database versions not stated): gnomAD exomes 0.23530 and 0.23962; ExAC 0.24383; ESP Exome Variant Server 0.26884; gnomAD 0.26887 and 0.27166; TOPMed 0.27093; 1000 Genomes Project 0.27516; 1000 Genomes Project 30x 0.27873.
gnomAD v4.1: 383,963 of 1,608,878 alleles (24%); highest among the groups gnomAD compares: African/African-American, 37%; 47,154 homozygotes.

Submissions (18):

Labcorp Genetics (formerly Invitae), Labcorp
Classification: Benign for Arrhythmogenic cardiomyopathy with wooly hair and keratoderma; Arrhythmogenic right ventricular dysplasia 8. Last evaluated: 2026-02-04. Review status: criteria provided, single submitter. Criteria: Invitae Variant Classification Sherloc (09022015). Collection method: clinical testing. Allele origin: germline.

Molecular Diagnostic Laboratory for Inherited Cardiovascular Disease, Montreal Heart Institute
Classification: Benign. Last evaluated: 2025-02-17. Review status: criteria provided, single submitter. Criteria: ACMG Guidelines, 2015. Collection method: clinical testing. Allele origin: germline. Affected: no.

Blueprint Genetics
Classification: Benign. Last evaluated: 2024-11-26. Review status: criteria provided, single submitter. Criteria: ACMG Guidelines, 2015. Collection method: clinical testing. Allele origin: germline.

Color Diagnostics, LLC DBA Color Health
Classification: Benign for Cardiomyopathy. Last evaluated: 2018-03-15. Review status: criteria provided, single submitter. Criteria: ACMG Guidelines, 2015. Collection method: clinical testing. Allele origin: germline.

Illumina Laboratory Services, Illumina
Classification: Benign for Arrhythmogenic right ventricular dysplasia 8. Last evaluated: 2018-01-12. Review status: criteria provided, single submitter. Criteria: ICSL Variant Classification Criteria 13 December 2019. Collection method: clinical testing. Allele origin: germline.
Comment: This variant was observed in the ICSL laboratory as part of a predisposition screen in an ostensibly healthy population. It had not been previously curated by ICSL or reported in the Human Gene Mutation Database (HGMD: prior to June 1st, 2018), and was therefore a candidate for classification through an automated scoring system. Utilizing variant allele frequency, disease prevalence and penetrance estimates, and inheritance mode, an automated score was calculated to assess if this variant is too frequent to cause the disease. Based on the score and internal cut-off values, a variant classified as benign is not then subjected to further curation. The score for this variant resulted in a classification of benign for this disease.

Illumina Laboratory Services, Illumina
Classification: Benign for Lethal acantholytic epidermolysis bullosa. Last evaluated: 2018-01-12. Review status: criteria provided, single submitter. Criteria: ICSL Variant Classification Criteria 13 December 2019. Collection method: clinical testing. Allele origin: germline.
Comment: the same text as in the submission from Illumina Laboratory Services, Illumina above.

Illumina Laboratory Services, Illumina
Classification: Benign for Arrhythmogenic cardiomyopathy with wooly hair and keratoderma. Last evaluated: 2018-01-12. Review status: criteria provided, single submitter. Criteria: ICSL Variant Classification Criteria 13 December 2019. Collection method: clinical testing. Allele origin: germline.
Comment: the same text as in the submission from Illumina Laboratory Services, Illumina above.

Ambry Genetics
Classification: Benign for Cardiovascular phenotype. Last evaluated: 2015-06-21. Review status: criteria provided, single submitter. Criteria: Ambry Variant Classification Scheme 2023. Collection method: clinical testing. Allele origin: germline.

GeneDx
Classification: Benign. Last evaluated: 2015-03-03. Review status: criteria provided, single submitter. Criteria: GeneDx Variant Classification Process June 2021. Collection method: clinical testing. Allele origin: germline. Affected: yes.

Mayo Clinic Laboratories, Mayo Clinic
Classification: Benign. Last evaluated: 2014-03-04. Review status: criteria provided, single submitter. Criteria: ACMG Guidelines, 2015. Collection method: clinical testing. Allele origin: germline. Observed: 560 variant alleles.

Laboratory for Molecular Medicine, Mass General Brigham Personalized Medicine
Classification: Benign. Last evaluated: 2007-11-06. Review status: criteria provided, single submitter. Criteria: LMM Criteria. Collection method: clinical testing. Allele origin: germline. Observed: 897 variant alleles.

PreventionGenetics, part of Exact Sciences
Classification: Benign. Review status: criteria provided, single submitter. Criteria: ACMG Guidelines, 2015. Collection method: clinical testing. Allele origin: germline.

Cohesion Phenomics
Classification: Benign for Cardiomyopathy. Last evaluated: 2022-09-23. Review status: no assertion criteria provided. Criteria: ACMG Guidelines, 2015. Collection method: clinical testing. Allele origin: germline. Affected: yes. Not counted in ClinVar's aggregate classification.

Clinical Genetics DNA and cytogenetics Diagnostics Lab, Erasmus MC, Erasmus Medical Center
Classification: Benign. Review status: no assertion criteria provided. Collection method: clinical testing. Allele origin: germline. Affected: yes. Study: VKGL Data-share Consensus. Not counted in ClinVar's aggregate classification.

Clinical Genetics, Academic Medical Center
Classification: Benign. Review status: no assertion criteria provided. Collection method: clinical testing. Allele origin: germline. Affected: yes. Study: VKGL Data-share Consensus. Not counted in ClinVar's aggregate classification.

Diagnostic Laboratory, Department of Genetics, University Medical Center Groningen
Classification: Benign. Review status: no assertion criteria provided. Collection method: clinical testing. Allele origin: germline. Affected: yes. Study: VKGL Data-share Consensus. Not counted in ClinVar's aggregate classification.

Genome Diagnostics Laboratory, University Medical Center Utrecht
Classification: Benign. Review status: no assertion criteria provided. Collection method: clinical testing. Allele origin: germline. Affected: yes. Study: VKGL Data-share Consensus. Not counted in ClinVar's aggregate classification.

Joint Genome Diagnostic Labs from Nijmegen and Maastricht, Radboudumc and MUMC+
Classification: Benign. Review status: no assertion criteria provided. Collection method: clinical testing. Allele origin: germline. Affected: yes. Study: VKGL Data-share Consensus. Not counted in ClinVar's aggregate classification.